The following is an entry in ClinVar:

NM_001042492.3(NF1):c.4313G>T (p.Gly1438Val)

Gene: NF1 (neurofibromin 1; plus strand). Cytogenetic location: 17q11.2.
Variant type: single nucleotide variant.
Coding change: c.4313G>T on transcript NM_001042492.3 (MANE Select); coding-DNA position 4313, G replaced by T.
Protein change: p.Gly1438Val; replaces glycine 1438 with valine.
Molecular consequence: missense variant.
Genome position (GRCh38, 1-based): chr17:31,258,483, G>T. VCF-style: chr17-31258483-G-T. GRCh37 (hg19) VCF-style: chr17-29585501-G-T.
Other names: c.4250G>T, p.Gly1417Val (NM_000267.4); short protein forms G1417V, G1438V.
Identifiers: ClinVar variation 570017 (VCV000570017.11), dbSNP rs748901190, ClinGen allele CA398998114.
Genomic context (GRCh38, chr17:31,258,483, plus strand): 5'-TTGTCTCACCGTATGAAGCAGGGATTTTAGATAAAAAGCCACCACCTAGAATCGAAAGGG[G>T]CTTGAAGTTAATGTCAAAGGTGAATTATTTTGATAATCTAGCTATCTTAAATTCCCCTTC-3'
Protein context (NP_001035957.1, residues 1428-1448): DKKPPPRIER[Gly1438Val]LKLMSKILQS

ClinVar aggregate classification (germline): Uncertain significance. Review status: criteria provided, multiple submitters, no conflicts (2 of 4 stars). 2 submissions from 2 submitters: Uncertain significance (2). Last evaluated 2026-08-07.

Conditions:
Hereditary cancer-predisposing syndrome. Also called: Neoplastic Syndromes, Hereditary; Hereditary Cancer Syndrome; Hereditary neoplastic syndrome; Tumor predisposition. Identifiers: Orphanet 140162, MedGen C0027672, MeSH D009386, MONDO:0015356.
Cardiovascular phenotype. Identifiers: MedGen CN230736.
Neurofibromatosis, type 1 (NF1). Also called: VON RECKLINGHAUSEN DISEASE; Neurofibromatosis, type I; Peripheral type neurofibromatosis; NEUROFIBROMATOSIS, TYPE I, SOMATIC. Identifiers: Orphanet 636, MedGen C0027831, MONDO:0018975, OMIM 162200. Disease mechanism: loss of function.

gnomAD v4.1: 4 of 1,613,794 alleles (0.00025%); highest among the groups gnomAD compares: Non-Finnish European, 0.00034%; no homozygotes.

Submissions (2):

Ambry Genetics
Classification: Uncertain significance for Cardiovascular phenotype; Hereditary cancer-predisposing syndrome. Last evaluated: 2026-08-07. Review status: criteria provided, single submitter. Criteria: Ambry Variant Classification Scheme 2023. Collection method: clinical testing. Allele origin: germline.
Comment: The p.G1417V variant (also known as c.4250G>T), located in coding exon 31 of the NF1 gene, results from a G to T substitution at nucleotide position 4250. The glycine at codon 1417 is replaced by valine, an amino acid with dissimilar properties. This amino acid position is highly conserved in available vertebrate species. In addition, this alteration is predicted to be deleterious by in silico analysis. Based on the available evidence, the clinical significance of this variant remains unclear.

Labcorp Genetics (formerly Invitae), Labcorp
Classification: Uncertain significance for Neurofibromatosis, type 1. Last evaluated: 2024-11-30. Review status: criteria provided, single submitter. Criteria: Invitae Variant Classification Sherloc (09022015). Collection method: clinical testing. Allele origin: germline.
Comment: This sequence change replaces glycine, which is neutral and non-polar, with valine, which is neutral and non-polar, at codon 1417 of the NF1 protein (p.Gly1417Val). This variant is not present in population databases (gnomAD no frequency). This variant has not been reported in the literature in individuals affected with NF1-related conditions. ClinVar contains an entry for this variant (Variation ID: 570017). Invitae Evidence Modeling of protein sequence and biophysical properties (such as structural, functional, and spatial information, amino acid conservation, physicochemical variation, residue mobility, and thermodynamic stability) indicates that this missense variant is expected to disrupt NF1 protein function with a positive predictive value of 95%. In summary, the available evidence is currently insufficient to determine the role of this variant in disease. Therefore, it has been classified as a Variant of Uncertain Significance.